The following is an entry in ClinVar:

NM_007325.5(GRIA3):c.1348C>T (p.Arg450Ter)

Gene: GRIA3 (glutamate ionotropic receptor AMPA type subunit 3; plus strand). Cytogenetic location: Xq25.
Variant type: single nucleotide variant.
Coding change: c.1348C>T on transcript NM_007325.5 (MANE Select); coding-DNA position 1348, C replaced by T.
Protein change: p.Arg450Ter; replaces arginine 450 with a stop codon.
Molecular consequence: nonsense.
Genome position (GRCh38, 1-based): chrX:123,404,762, C>T. VCF-style: chrX-123404762-C-T. GRCh37 (hg19) VCF-style: chrX-122538613-C-T.
Other names: c.1348C>T, p.Arg450Ter (NM_000828.5); short protein forms R450*.
Identifiers: ClinVar variation 981269 (VCV000981269.8), dbSNP rs183018401, ClinGen allele CA10507051.

ClinVar aggregate classification (germline): Conflicting classifications of pathogenicity. Review status: criteria provided, conflicting classifications (1 of 4 stars). 4 submissions from 4 submitters: Likely pathogenic (1); Uncertain significance (3). Last evaluated 2025-07-22.

Conditions:
Syndromic X-linked intellectual disability 94 (MRXSW). Also called: MENTAL RETARDATION, X-LINKED, SYNDROMIC 29; X-linked intellectual disability due to GRIA3 anomalies. Identifiers: Orphanet 364028, MedGen C2678051, MONDO:0010402, OMIM 300699.
Intellectual disability. Also called: intellectual disabilities; Intellectual developmental disorder; Intellectual functioning disability. Identifiers: MedGen C3714756, MeSH D008607, MONDO:0001071, HP:0001249.

Allele frequency attached by ClinVar (database versions not stated): 1000 Genomes Project 30x 0.00021; gnomAD 0.00001; ExAC 0.00001; gnomAD exomes 0.00001; 1000 Genomes Project 0.00026.
gnomAD v4.1: 1 of 1,202,069 alleles (0.000083%); highest among the groups gnomAD compares: African/African-American, 0.0018%; no homozygotes.

Submissions (4):

GeneDx
Classification: Uncertain significance. Last evaluated: 2025-07-22. Review status: criteria provided, single submitter. Criteria: GeneDx Variant Classification Process June 2021. Collection method: clinical testing. Allele origin: germline. Affected: yes.
Comment: Nonsense variant predicted to result in protein truncation or nonsense mediated decay in a gene for which loss of function is a known mechanism of disease; Has not been previously published as pathogenic or benign to our knowledge

Greenwood Genetic Center Diagnostic Laboratories, Greenwood Genetic Center
Classification: Likely pathogenic for Syndromic X-linked intellectual disability 94. Last evaluated: 2023-10-30. Review status: criteria provided, single submitter. Criteria: ACMG Guidelines, 2015. Collection method: clinical testing. Allele origin: germline. Affected: yes.
Comment: PVS1, PM2

Labcorp Genetics (formerly Invitae), Labcorp
Classification: Uncertain significance. Last evaluated: 2022-09-15. Review status: criteria provided, single submitter. Criteria: Invitae Variant Classification Sherloc (09022015). Collection method: clinical testing. Allele origin: germline.
Comment: This sequence change creates a premature translational stop signal (p.Arg450*) in the GRIA3 gene. It is expected to result in an absent or disrupted protein product. However, the current clinical and genetic evidence is not sufficient to establish whether loss-of-function variants in GRIA3 cause disease. The frequency data for this variant in the population databases is considered unreliable, as metrics indicate poor data quality at this position in the gnomAD database. This variant has not been reported in the literature in individuals affected with GRIA3-related conditions. ClinVar contains an entry for this variant (Variation ID: 981269). In summary, the available evidence is currently insufficient to determine the role of this variant in disease. Therefore, it has been classified as a Variant of Uncertain Significance.

Diagnostic Laboratory, Strasbourg University Hospital
Classification: Uncertain significance for Intellectual disability. Last evaluated: 2020-09-10. Review status: criteria provided, single submitter. Criteria: ACMG Guidelines, 2015. Collection method: clinical testing. Allele origin: de novo. Affected: yes. Observed: 1 heterozygote.